The following is an entry in ClinVar:

ClinVar aggregate classification (germline): Uncertain significance (1 of 4 stars; one submission).

Allele frequency attached by ClinVar (database versions not stated): gnomAD exomes below 0.00001; TOPMed 0.00002.
gnomAD v4.1: 3 of 1,563,176 alleles (0.00019%); highest among the groups gnomAD compares: Admixed American, 0.0018%; no homozygotes.

Submission:

Labcorp Genetics (formerly Invitae), Labcorp
Classification: Uncertain significance. Last evaluated: 2025-01-06. Review status: criteria provided, single submitter. Criteria: Invitae Variant Classification Sherloc (09022015). Collection method: clinical testing. Allele origin: germline.
Comment: This sequence change replaces glutamic acid, which is acidic and polar, with alanine, which is neutral and non-polar, at codon 262 of the PYROXD1 protein (p.Glu262Ala). This variant is not present in population databases (gnomAD no frequency). This variant has not been reported in the literature in individuals affected with PYROXD1-related conditions. ClinVar contains an entry for this variant (Variation ID: 1525656). Invitae Evidence Modeling of protein sequence and biophysical properties (such as structural, functional, and spatial information, amino acid conservation, physicochemical variation, residue mobility, and thermodynamic stability) indicates that this missense variant is not expected to disrupt PYROXD1 protein function with a negative predictive value of 80%. In summary, the available evidence is currently insufficient to determine the role of this variant in disease. Therefore, it has been classified as a Variant of Uncertain Significance.

NM_024854.5(PYROXD1):c.785A>C (p.Glu262Ala)

Gene: PYROXD1 (pyridine nucleotide-disulphide oxidoreductase domain 1; plus strand). Cytogenetic location: 12p12.1.
Variant type: single nucleotide variant.
Coding change: c.785A>C on transcript NM_024854.5 (MANE Select); coding-DNA position 785, A replaced by C.
Protein change: p.Glu262Ala; replaces glutamic acid 262 with alanine.
Molecular consequence: missense variant.
Genome position (GRCh38, 1-based): chr12:21,461,059, A>C. VCF-style: chr12-21461059-A-C. GRCh37 (hg19) VCF-style: chr12-21613993-A-C.
Other names: c.572A>C, p.Glu191Ala (NM_001350912.2); c.8A>C, p.Glu3Ala (NM_001350913.2); short protein forms E191A, E262A, E3A.
Identifiers: ClinVar variation 1525656 (VCV001525656.7), dbSNP rs1942688701, ClinGen allele CA384109141.
Genomic context (GRCh38, chr12:21,461,059, plus strand): 5'-GCTAACCAGTATTTTCTTAATTTTAGTTTTCTCATAAGATTCACCTTGAAACTATGTGTG[A>C]AGTAAAGAAAATCTACCTTCAGGATGAGTTTAGAATTTTGAAGAAAAAGTCCTTCACTTT-3'
Protein context (NP_079130.2, residues 252-272): SHKIHLETMC[Glu262Ala]VKKIYLQDEF